The following is an entry in ClinVar:

NM_007194.4(CHEK2):c.1096-4T>C

Gene: CHEK2 (checkpoint kinase 2; minus strand). Cytogenetic location: 22q12.1.
Variant type: single nucleotide variant.
Coding change: c.1096-4T>C on transcript NM_007194.4 (MANE Select); 4 bases into the intron before coding-DNA position 1096, T replaced by C.
Molecular consequence: intron variant.
Genome position (GRCh38, 1-based): chr22:28,695,877, A>G on the plus strand (T>C on the coding strand, the complement: CHEK2 is on the minus strand). VCF-style: chr22-28695877-A-G. GRCh37 (hg19) VCF-style: chr22-29091865-A-G.
Other names: c.433-4T>C (NM_001437942.1, NM_001257387.3); c.895-4T>C (NM_001349956.3); c.1009-4T>C (NM_145862.3); c.1102-4T>C (NM_001438295.1); c.1189-4T>C (NM_001438293.1); c.1138-4T>C (NM_001438294.1); c.1225-4T>C (NM_001005735.3).
Identifiers: ClinVar variation 142945 (VCV000142945.35), dbSNP rs587782840, ClinGen allele CA169835.
Genomic context (GRCh38, chr22:28,695,877, plus strand): 5'-TAAGGTTCTCATGAGAGAGGTCTCTCCCAAAATCTTGGAGTGCCCAAAATCAGTAATCTA[A>G]AATTCAGTACAAAAGGGAATAATGTTGAACTTGCCATAAAATAAAAAGATTAACATAGTC-3'

ClinVar aggregate classification (germline): Conflicting classifications of pathogenicity. Review status: criteria provided, conflicting classifications (1 of 4 stars). 9 submissions from 9 submitters: Uncertain significance (2); Benign (1); Likely benign (5). 1 of the submissions does not count toward it. Last evaluated 2026-07-15.

Conditions:
Familial cancer of breast. Also called: hereditary breast carcinoma; Hereditary breast cancer; BREAST CANCER, FAMILIAL. Identifiers: Orphanet 227535, MedGen C0346153, MONDO:0016419, OMIM 114480. Disease mechanism: loss of function.
Hereditary cancer-predisposing syndrome. Also called: Neoplastic Syndromes, Hereditary; Tumor predisposition; Hereditary Cancer Syndrome; Hereditary neoplastic syndrome. Identifiers: Orphanet 140162, MedGen C0027672, MeSH D009386, MONDO:0015356.

Allele frequency attached by ClinVar (database versions not stated): gnomAD 0.00001; TOPMed 0.00001; gnomAD exomes 0.00002 and 0.00004; ExAC 0.00003.
gnomAD v4.1: 32 of 1,607,532 alleles (0.002%); highest among the groups gnomAD compares: Non-Finnish European, 0.0026%; no homozygotes.

Submissions (9):

Myriad Genetics, Inc.
Classification: Benign for Familial cancer of breast. Last evaluated: 2026-07-15. Review status: criteria provided, single submitter. Criteria: Myriad Autosomal Dominant, Autosomal Recessive and X-Linked Classification Criteria (2023). Collection method: clinical testing. Allele origin: unknown.
Comment: This variant is considered benign. This variant is intronic and is not expected to impact mRNA splicing. This variant is strongly associated with less severe personal and family histories of cancer, typical for individuals without pathogenic variants in this gene [PMID: 25085752].

Women's Health and Genetics/Laboratory Corporation of America, LabCorp
Classification: Likely benign. Last evaluated: 2026-06-22. Review status: criteria provided, single submitter. Criteria: LabCorp Variant Classification Summary - May 2015. Collection method: clinical testing. Allele origin: germline.
Comment: Variant summary: CHEK2 c.1096-4T>C alters a conserved nucleotide located at a position not widely known to affect splicing. Consensus agreement among computation tools predict no significant impact on normal splicing. However, these predictions have yet to be confirmed by functional studies. The variant allele was found at a frequency of 3.6e-05 in 248762 control chromosomes. The available data on variant occurrences in the general population are insufficient to allow any conclusion about variant significance. To our knowledge, no occurrence of c.1096-4T>C in individuals affected with CHEK2-related conditions and no experimental evidence demonstrating its impact on protein function have been reported. ClinVar contains an entry for this variant (Variation ID: 142945). Based on the evidence outlined above, the variant was classified as likely benign.

Labcorp Genetics (formerly Invitae), Labcorp
Classification: Likely benign for Familial cancer of breast. Last evaluated: 2025-11-27. Review status: criteria provided, single submitter. Criteria: Invitae Variant Classification Sherloc (09022015). Collection method: clinical testing. Allele origin: germline.

GeneDx
Classification: Uncertain significance. Last evaluated: 2025-03-13. Review status: criteria provided, single submitter. Criteria: GeneDx Variant Classification Process June 2021. Collection method: clinical testing. Allele origin: germline. Affected: yes.
Comment: Not observed at significant frequency in large population cohorts (gnomAD); In silico analysis indicates that this variant does not alter splicing; Has not been previously published as pathogenic or benign to our knowledge

Blueprint Genetics
Classification: Likely benign. Last evaluated: 2024-08-14. Review status: criteria provided, single submitter. Criteria: ACMG Guidelines, 2015. Collection method: clinical testing. Allele origin: germline.

Quest Diagnostics Nichols Institute San Juan Capistrano
Classification: Uncertain significance. Last evaluated: 2023-02-16. Review status: criteria provided, single submitter. Criteria: Quest Diagnostics criteria. Collection method: clinical testing. Allele origin: unknown.
Comment: To the best of our knowledge, the variant has not been reported in the published literature. The frequency of this variant in the general population, 0.000036 (9/248762 chromosomes), is uninformative in assessment of its pathogenicity. Analysis of this variant using software algorithms for the prediction of the effect of nucleotide changes on splicing yielded predictions that this variant does not affect CHEK2 mRNA splicing . Based on the available information, we are unable to determine the clinical significance of this variant.

Ambry Genetics
Classification: Likely benign for Hereditary cancer-predisposing syndrome. Last evaluated: 2020-05-29. Review status: criteria provided, single submitter. Criteria: Ambry Variant Classification Scheme 2023. Collection method: clinical testing. Allele origin: germline.

Color Diagnostics, LLC DBA Color Health
Classification: Likely benign for Hereditary cancer-predisposing syndrome. Last evaluated: 2015-04-24. Review status: criteria provided, single submitter. Criteria: ACMG Guidelines, 2015. Collection method: clinical testing. Allele origin: germline.

Counsyl
Classification: Uncertain significance for Familial cancer of breast. Last evaluated: 2016-05-10. Review status: no assertion criteria provided. Collection method: clinical testing. Allele origin: unknown. Not counted in ClinVar's aggregate classification.

Literature cited by the submitters: PubMed 25085752 (cited by Myriad Genetics, Inc.).